The following is an entry in ClinVar:

ClinVar aggregate classification (germline): Uncertain significance. Review status: criteria provided, multiple submitters, no conflicts (2 of 4 stars). 2 submissions from 2 submitters: Uncertain significance (2). Last evaluated 2025-04-01.

Conditions:
Inborn genetic diseases. Identifiers: MedGen C0950123, MeSH D030342.

gnomAD v4.1: 6 of 1,613,936 alleles (0.00037%); highest among the groups gnomAD compares: East Asian, 0.013%; no homozygotes.

Submissions (2):

Labcorp Genetics (formerly Invitae), Labcorp
Classification: Uncertain significance. Last evaluated: 2025-04-01. Review status: criteria provided, single submitter. Criteria: Invitae Variant Classification Sherloc (09022015). Collection method: clinical testing. Allele origin: germline.
Comment: This sequence change replaces phenylalanine, which is neutral and non-polar, with cysteine, which is neutral and slightly polar, at codon 59 of the TRPV6 protein (p.Phe59Cys). This variant is present in population databases (rs200004493, gnomAD 0.03%). This variant has not been reported in the literature in individuals affected with TRPV6-related conditions. ClinVar contains an entry for this variant (Variation ID: 3329355). Experimental studies and prediction algorithms are not available or were not evaluated, and the functional significance of this variant is currently unknown. In summary, the available evidence is currently insufficient to determine the role of this variant in disease. Therefore, it has been classified as a Variant of Uncertain Significance.

Ambry Genetics
Classification: Uncertain significance for Inborn genetic diseases. Last evaluated: 2024-04-24. Review status: criteria provided, single submitter. Criteria: Ambry Variant Classification Scheme 2023. Collection method: clinical testing. Allele origin: germline.

NM_018646.6(TRPV6):c.176T>G (p.Phe59Cys)

Gene: TRPV6 (transient receptor potential cation channel subfamily V member 6; minus strand). Cytogenetic location: 7q34.
Variant type: single nucleotide variant.
Coding change: c.176T>G on transcript NM_018646.6 (MANE Select); coding-DNA position 176, T replaced by G.
Protein change: p.Phe59Cys; replaces phenylalanine 59 with cysteine.
Molecular consequence: missense variant.
Genome position (GRCh38, 1-based): chr7:142,885,461, A>C on the plus strand (T>G on the coding strand, the complement: TRPV6 is on the minus strand). VCF-style: chr7-142885461-A-C. GRCh37 (hg19) VCF-style: chr7-142583206-A-C.
Other names: short protein forms F59C.
Identifiers: ClinVar variation 3329355 (VCV003329355.2).